The following is an entry in ClinVar:

ClinVar aggregate classification (germline): Uncertain significance (1 of 4 stars; one submission).

Conditions:
Hereditary cancer-predisposing syndrome. Also called: Hereditary neoplastic syndrome; Hereditary Cancer Syndrome; Neoplastic Syndromes, Hereditary; Tumor predisposition. Identifiers: Orphanet 140162, MedGen C0027672, MeSH D009386, MONDO:0015356.

Submission:

Ambry Genetics
Classification: Uncertain significance for Hereditary cancer-predisposing syndrome. Last evaluated: 2023-04-13. Review status: criteria provided, single submitter. Criteria: Ambry Variant Classification Scheme 2023. Collection method: clinical testing. Allele origin: germline.
Comment: The c.164-31401A>G intronic variant results from an A to G substitution 31401 nucleotides upstream from coding exon 3 in the CDH1 gene. This nucleotide position is not well conserved in available vertebrate species. In silico splice site analysis predicts that this alteration will result in the creation or strengthening of a novel splice acceptor site; however, direct evidence is insufficient at this time (Ambry internal data). Since supporting evidence is limited at this time, the clinical significance of this alteration remains unclear.

NM_004360.5(CDH1):c.164-31401A>G

Gene: CDH1 (cadherin 1; plus strand). Cytogenetic location: 16q22.1.
Variant type: single nucleotide variant.
Coding change: c.164-31401A>G on transcript NM_004360.5 (MANE Select); 31401 bases into the intron before coding-DNA position 164, A replaced by G.
Molecular consequence: intron variant.
Genome position (GRCh38, 1-based): chr16:68,770,269, A>G. VCF-style: chr16-68770269-A-G. GRCh37 (hg19) VCF-style: chr16-68804172-A-G.
Other names: c.-1452-31401A>G (NM_001317185.2); c.-1656-31401A>G (NM_001317186.2); c.164-31401A>G (NM_001317184.2).
Identifiers: ClinVar variation 2567605 (VCV002567605.2), dbSNP rs2543863364, ClinGen allele CA2580613895.